The following is an entry in ClinVar:

NM_005502.4(ABCA1):c.124G>T (p.Val42Phe)

Gene: ABCA1 (ATP binding cassette subfamily A member 1; minus strand). Cytogenetic location: 9q31.1.
Variant type: single nucleotide variant.
Coding change: c.124G>T on transcript NM_005502.4 (MANE Select); coding-DNA position 124, G replaced by T.
Protein change: p.Val42Phe; replaces valine 42 with phenylalanine.
Molecular consequence: missense variant.
Genome position (GRCh38, 1-based): chr9:104,889,138, C>A on the plus strand (G>T on the coding strand, the complement: ABCA1 is on the minus strand). VCF-style: chr9-104889138-C-A. GRCh37 (hg19) VCF-style: chr9-107651419-C-A.
Other names: short protein forms V42F.
Identifiers: ClinVar variation 4234816 (VCV004234816.1).

ClinVar aggregate classification (germline): Uncertain significance (1 of 4 stars; one submission).

Conditions:
Cardiovascular phenotype. Identifiers: MedGen CN230736.

gnomAD v4.1: 6 of 1,614,044 alleles (0.00037%); highest among the groups gnomAD compares: Non-Finnish European, 0.00051%; no homozygotes.

Submission:

Ambry Genetics
Classification: Uncertain significance for Cardiovascular phenotype. Last evaluated: 2025-07-21. Review status: criteria provided, single submitter. Criteria: Ambry Variant Classification Scheme 2023. Collection method: clinical testing. Allele origin: germline.
Comment: The p.V42F variant (also known as c.124G>T), located in coding exon 2 of the ABCA1 gene, results from a G to T substitution at nucleotide position 124. The valine at codon 42 is replaced by phenylalanine, an amino acid with highly similar properties. This amino acid position is conserved. In addition, this alteration is predicted to be deleterious by in silico analysis. Based on the available evidence, the clinical significance of this variant remains unclear.